The following is an entry in ClinVar:

NM_025114.4(CEP290):c.1894A>G (p.Lys632Glu)

Gene: CEP290 (centrosomal protein 290; minus strand). Cytogenetic location: 12q21.32.
Variant type: single nucleotide variant.
Coding change: c.1894A>G on transcript NM_025114.4 (MANE Select); coding-DNA position 1894, A replaced by G.
Protein change: p.Lys632Glu; replaces lysine 632 with glutamic acid.
Molecular consequence: missense variant.
Genome position (GRCh38, 1-based): chr12:88,115,113, T>C on the plus strand (A>G on the coding strand, the complement: CEP290 is on the minus strand). VCF-style: chr12-88115113-T-C. GRCh37 (hg19) VCF-style: chr12-88508890-T-C.
Other names: c.1894A>G (NM_025114.3); short protein forms K632E.
Identifiers: ClinVar variation 2643204 (VCV002643204.24), dbSNP rs1213124542, ClinGen allele CA385977098.

ClinVar aggregate classification (germline): Conflicting classifications of pathogenicity. Review status: criteria provided, conflicting classifications (1 of 4 stars). 3 submissions from 3 submitters: Likely pathogenic (1); Uncertain significance (1). 1 of the submissions does not count toward it. Last evaluated 2023-10-01.

Conditions:
CEP290-related disorder. Also called: CEP290-related condition; CEP290-related disorders. Identifiers: MedGen CN239314.
Retinal dystrophy. Also called: Inherited retinal dystrophy. Identifiers: Orphanet 71862, MedGen C0854723, MeSH D058499, MONDO:0019118, HP:0000556.

Allele frequency attached by ClinVar (database versions not stated): gnomAD exomes below 0.00001; TOPMed below 0.00001; gnomAD 0.00001.
gnomAD v4.1: 4 of 1,446,378 alleles (0.00028%); highest among the groups gnomAD compares: East Asian, 0.0023%; no homozygotes.

Submissions (3):

Dept Of Ophthalmology, Nagoya University
Classification: Likely pathogenic for Retinal dystrophy. Last evaluated: 2023-10-01. Review status: criteria provided, single submitter. Criteria: Submitter's publication. Collection method: research. Allele origin: germline. Affected: yes.

CeGaT Center for Human Genetics Tuebingen
Classification: Uncertain significance. Last evaluated: 2022-10-01. Review status: criteria provided, single submitter. Criteria: CeGaT Center For Human Genetics Tuebingen Variant Classification Criteria Version 2. Collection method: clinical testing. Allele origin: germline. Affected: yes. Observed: 1 variant allele.
Comment: CEP290: PM2, BP4

PreventionGenetics, part of Exact Sciences
Classification: Uncertain significance for CEP290-related condition. Last evaluated: 2023-12-20. Review status: no assertion criteria provided. Collection method: clinical testing. Allele origin: germline. Not counted in ClinVar's aggregate classification.
Comment: The CEP290 c.1894A>G variant is predicted to result in the amino acid substitution p.Lys632Glu. This variant has been reported in an individual with Joubert syndrome; however, they also had two other CEP290 pathogenic variants which were on opposite alleles (in trans) (Tsurusaki et al. 2013. PubMed ID: 23034536). This variant is not present in a large population database, indicating this variant is rare. At this time, the clinical significance of this variant is uncertain due to the absence of conclusive functional and genetic evidence.